The following is an entry in ClinVar:

NM_015404.4(WHRN):c.2348T>A (p.Val783Glu)

Gene: WHRN (whirlin; minus strand). Cytogenetic location: 9q32.
Variant type: single nucleotide variant.
Coding change: c.2348T>A on transcript NM_015404.4 (MANE Select); coding-DNA position 2348, T replaced by A.
Protein change: p.Val783Glu; replaces valine 783 with glutamic acid.
Molecular consequence: missense variant.
Genome position (GRCh38, 1-based): chr9:114,403,966, A>T on the plus strand (T>A on the coding strand, the complement: WHRN is on the minus strand). VCF-style: chr9-114403966-A-T. GRCh37 (hg19) VCF-style: chr9-117166246-A-T.
Other names: c.1199T>A, p.Val400Glu (NM_001083885.3); c.2345T>A, p.Val782Glu (NM_001173425.2); c.1295T>A, p.Val432Glu (NM_001346890.1); short protein forms V400E, V782E, V783E, V432E.
Identifiers: ClinVar variation 972313 (VCV000972313.9), dbSNP rs2274159, ClinGen allele CA374619709.

ClinVar aggregate classification (germline): Uncertain significance (1 of 4 stars; one submission).

Submission:

Labcorp Genetics (formerly Invitae), Labcorp
Classification: Uncertain significance. Last evaluated: 2020-02-11. Review status: criteria provided, single submitter. Criteria: Invitae Variant Classification Sherloc (09022015). Collection method: clinical testing. Allele origin: germline.
Comment: This variant is not present in population databases (ExAC no frequency). In summary, the available evidence is currently insufficient to determine the role of this variant in disease. Therefore, it has been classified as a Variant of Uncertain Significance. Algorithms developed to predict the effect of missense changes on protein structure and function (SIFT, PolyPhen-2, Align-GVGD) all suggest that this variant is likely to be tolerated, but these predictions have not been confirmed by published functional studies and their clinical significance is uncertain. This variant has not been reported in the literature in individuals with WHRN-related conditions. This sequence change replaces valine with glutamic acid at codon 783 of the WHRN protein (p.Val783Glu). The valine residue is weakly conserved and there is a moderate physicochemical difference between valine and glutamic acid.